The following continues an entry in ClinVar:

NM_000441.2(SLC26A4):c.1061T>C (p.Phe354Ser)

Gene: SLC26A4. ClinVar aggregate classification (germline): Likely benign. Likely benign (1).

Submissions 12 to 22 of 22:

Laboratory for Molecular Medicine, Mass General Brigham Personalized Medicine
Classification: Likely benign. Last evaluated: 2017-08-03. Review status: criteria provided, single submitter. Criteria: LMM Criteria. Collection method: clinical testing. Allele origin: germline. Observed: 12 variant alleles. Not counted in ClinVar's aggregate classification.
Comment: p.Phe354Ser in exon 9 of SLC26A4: This variant is not expected to have clinical significance due to equal frequencies in probands with hearing loss and controls and the fact that none of the probands had a variant affecting the other allele (Albert 2006, Dai 2009, Pera 2008, LMM data). This variant was also identified in equal frequency among patients with Graves' and/or Hashimoto's thyroiditis bu t no history of hearing loss (4/237) and in matched controls (5/206) (Hadj-Kacem 2010). In vitro functional studies have shown that this variant did not impact protein function (Dossena 2011). In addition, this variant has been identified i n 0.15% (51/34394) of Latino chromosomes and 78/126480 European chromosomes by t he Genome Aggregation Database (gnomAD; dbSNP rs111033243).

ARUP Laboratories, Molecular Genetics and Genomics, ARUP Laboratories
Classification: Uncertain significance. Last evaluated: 2017-07-18. Review status: criteria provided, single submitter. Criteria: ARUP Molecular Germline Variant Investigation Process. Collection method: clinical testing. Allele origin: germline. Not counted in ClinVar's aggregate classification.
Comment: The p.Phe354Ser variant (rs111033243) has been studied extensively due to a possible role in Pendred syndrome (PS) and deafness with enlarged vestibular aqueduct (EVA); conflicting evidence has emerged. Firstly, the p.Phe354Ser variant has been observed as a homozygote in a patient included in a cohort of autosomal recessive nonsyndromic deafness (ARNSD) patients (Bademci 2016), and was observed in trans with a pathogenic SLC26A4 variant in a patient included in a PS cohort (Blons 2004; reported as p.Phe355Ser). However, it has also been found at a similar frequency in patient and control populations (Hadj-Kacem 2010), and has even been found in controls while being absent from absent from a hearing impaired population (Pera 2008). This variant is listed in the genome Aggregation Database (gnomAD) with an overall population frequency of 0.05 percent (identified on 159 out of 276,944 chromosomes). Data concerning the effect of the p.Phe354Ser variant on SLC26A4 protein function are also mixed, with some studies suggesting no effect on solute transport (Dossena 2011), while others suggesting a decrease in Cl-/HC03- exchange activity (Dai 2009). Moreover, the phenylalanyl at codon 354 is highly conserved considering 11 species up to chicken and there is a large physiochemical difference with the substituted serine (Alamut software v2.9.0). Thus, based on the available information, the clinical significance of the p.Phe354Ser variant cannot be determined with certainty.

Illumina Laboratory Services, Illumina
Classification: Uncertain significance for Pendred syndrome. Last evaluated: 2017-04-27. Review status: criteria provided, single submitter. Criteria: ICSL Variant Classification Criteria 13 December 2019. Collection method: clinical testing. Allele origin: germline. Not counted in ClinVar's aggregate classification.
Comment: This variant was observed as part of a predisposition screen in an ostensibly healthy population. A literature search was performed for the gene, cDNA change, and amino acid change (where applicable). Publications were found based on this search. However, the evidence from the literature, in combination with allele frequency data from public databases where available, was not sufficient to rule this variant in or out of causing disease. Therefore, this variant is classified as a variant of unknown significance.

Illumina Laboratory Services, Illumina
Classification: Uncertain significance for Autosomal recessive nonsyndromic hearing loss 4. Last evaluated: 2017-04-27. Review status: criteria provided, single submitter. Criteria: ICSL Variant Classification Criteria 13 December 2019. Collection method: clinical testing. Allele origin: germline. Not counted in ClinVar's aggregate classification.
Comment: the same text as in the submission from Illumina Laboratory Services, Illumina above.

Eurofins Ntd Llc (ga)
Classification: Likely benign. Last evaluated: 2016-03-21. Review status: criteria provided, single submitter. Criteria: EGL Classification Definitions 2015. Collection method: clinical testing. Allele origin: germline. Observed: 1 variant allele, 1 homozygote. Not counted in ClinVar's aggregate classification.

National Institute of Sensory Organs, National Hospital Organization Tokyo Medical Center
Classification: other for Autosomal recessive nonsyndromic hearing loss 4. Last evaluated: 2019-08-20. Review status: no assertion criteria provided. Collection method: literature only, in vitro. Allele origin: germline. Inheritance: Autosomal recessive inheritance. Affected: yes. Functional consequence: functionally_normal. Not counted in ClinVar's aggregate classification.
Comment: Benign effect in vitro experiment

PreventionGenetics, part of Exact Sciences
Classification: Likely benign for SLC26A4-related condition. Last evaluated: 2019-07-25. Review status: no assertion criteria provided. Collection method: clinical testing. Allele origin: germline. Not counted in ClinVar's aggregate classification.
Comment: This variant is classified as likely benign based on ACMG/AMP sequence variant interpretation guidelines (Richards et al. 2015 PMID: 25741868, with internal and published modifications).

Clinical Genetics DNA and cytogenetics Diagnostics Lab, Erasmus MC, Erasmus Medical Center
Classification: Likely benign. Review status: no assertion criteria provided. Collection method: clinical testing. Allele origin: germline. Affected: yes. Study: VKGL Data-share Consensus. Not counted in ClinVar's aggregate classification.

Clinical Genetics, Academic Medical Center
Classification: Likely benign. Review status: no assertion criteria provided. Collection method: clinical testing. Allele origin: germline. Affected: yes. Study: VKGL Data-share Consensus. Not counted in ClinVar's aggregate classification.

Joint Genome Diagnostic Labs from Nijmegen and Maastricht, Radboudumc and MUMC+
Classification: Likely benign. Review status: no assertion criteria provided. Collection method: clinical testing. Allele origin: germline. Affected: yes. Study: VKGL Data-share Consensus. Not counted in ClinVar's aggregate classification.

King Laboratory, University of Washington
Classification: Likely pathogenic for Autosomal recessive nonsyndromic hearing loss 4. Last evaluated: 2020-08-01. Review status: flagged submission. Criteria: Abu Rayyan A et al. (Proc Natl Acad Sci U S A 2020). Collection method: research. Allele origin: germline. Affected: yes. Not counted in ClinVar's aggregate classification.
Comment: SLC26A4 c.1061T>C, p.F354S alters a highly conserved residue of SLC26A4 that is predicted to weaken a transmembrane domain. The variant is homozygous in 4 Palestinian children with pre-lingual severe to profound hearing loss (Abu Rayyan 2020). It is present in 5 of 1300 Palestinian controls, as a heterozygote, and present in 164/282612 alleles on gnomAD, all heterozygotes.
ClinVar note: Reason: Outlier claim with insufficient supporting evidence

Literature cited by the submitters: PubMed 22116359 (cited by 7 submitters); PubMed 31599023 (cited by 4 submitters); PubMed 30245029 (cited by 3 submitters); PubMed 26226137 (cited by 3 submitters); PubMed 32747562 (cited by Women's Health and Genetics/Laboratory Corporation of America, LabCorp and Labcorp Genetics (formerly Invitae), Labcorp); PubMed 16570074 (cited by 4 submitters); PubMed 23965030 (cited by Women's Health and Genetics/Laboratory Corporation of America, LabCorp and Athena Diagnostics); PubMed 15355436 (cited by 6 submitters); PubMed 33199029 (cited by Women's Health and Genetics/Laboratory Corporation of America, LabCorp); PubMed 19509082 (cited by 6 submitters); PubMed 23280318 (cited by Women's Health and Genetics/Laboratory Corporation of America, LabCorp and Athena Diagnostics); PubMed 26894580 (cited by 3 submitters); PubMed 27861301 (cited by 3 submitters); PubMed 28444304 (cited by Athena Diagnostics and National Institute of Sensory Organs, National Hospital Organization Tokyo Medical Center); PubMed 26764160 (cited by Athena Diagnostics and National Institute of Sensory Organs, National Hospital Organization Tokyo Medical Center); PubMed 25262649 (cited by Athena Diagnostics and National Institute of Sensory Organs, National Hospital Organization Tokyo Medical Center); PubMed 21704276 (cited by Athena Diagnostics); PubMed 19017801 (cited by 4 submitters); PubMed 21045265 (cited by 4 submitters); PubMed 27771369 (cited by National Institute of Sensory Organs, National Hospital Organization Tokyo Medical Center).